The following is an entry in ClinVar:

ClinVar aggregate classification (germline): Conflicting classifications of pathogenicity. Review status: criteria provided, conflicting classifications (1 of 4 stars). 5 submissions from 5 submitters: Uncertain significance (4); Likely benign (1). Last evaluated 2026-04-06.

Conditions:
TTN-related disorder. Also called: TTN-related condition; TTN-related disease; TTN-related disorders.
Cardiovascular phenotype. Identifiers: MedGen CN230736.
Early-onset myopathy with fatal cardiomyopathy (CMYO5). Also called: Salih Myopathy; CONGENITAL MYOPATHY 5 WITH CARDIOMYOPATHY. Identifiers: Orphanet 289377, MedGen C2673677, MONDO:0012714, OMIM 611705. Disease mechanism: loss of function.
Dilated cardiomyopathy 1G (CMD1G). Identifiers: Orphanet 154, MedGen C1858763, MONDO:0011400, OMIM 604145.
Autosomal recessive limb-girdle muscular dystrophy type 2J (LGMDR10). Also called: Limb-girdle muscular dystrophy, type 2J; MUSCULAR DYSTROPHY, LIMB-GIRDLE, AUTOSOMAL RECESSIVE 10. Identifiers: Orphanet 140922, MedGen C1837342, MONDO:0012127, OMIM 608807.
Tibial muscular dystrophy (TMD). Also called: Tibial muscular dystrophy, tardive; Udd Distal Myopathy – Tibial Muscular Dystrophy; UDD MYOPATHY. Identifiers: Orphanet 609, MedGen C1838244, MONDO:0010870, OMIM 600334.
Myopathy, myofibrillar, 9, with early respiratory failure (MFM9). Also called: Myopathy, distal, with early respiratory failure, autosomal dominant; MYOPATHY, PROXIMAL, WITH EARLY RESPIRATORY MUSCLE INVOLVEMENT; Hereditary myopathy with early respiratory failure; EDSTROM MYOPATHY. Identifiers: Orphanet 178464, Orphanet 34521, MedGen C1863599, MONDO:0011362, OMIM 603689.
Hypertrophic cardiomyopathy 9. Also called: Familial hypertrophic cardiomyopathy 9. Identifiers: MedGen C1861065, MONDO:0013412, OMIM 613765.
Cardiomyopathy (CMYO). Also called: Cardiomyopathies. Identifiers: Orphanet 167848, MedGen C0878544, MONDO:0004994, HP:0001638. Inheritance: Various modes of inheritance.

Allele frequency attached by ClinVar (database versions not stated): ExAC 0.00001; gnomAD 0.00001; gnomAD exomes 0.00002 and 0.00003; TOPMed 0.00003.
gnomAD v4.1: 43 of 1,611,554 alleles (0.0027%); highest among the groups gnomAD compares: South Asian, 0.0077%; no homozygotes.

Submissions (5):

PreventionGenetics, part of Exact Sciences
Classification: Uncertain significance for TTN-related condition. Last evaluated: 2026-04-06. Review status: criteria provided, single submitter. Criteria: ACMG Guidelines, 2015. Collection method: clinical testing. Allele origin: germline.
Comment: The TTN c.64454G>A variant is predicted to result in the amino acid substitution p.Arg21485Gln. This variant has been reported in an individual with dilated cardiomyopathy (Table S3, Mazzarotto et al. 2020. PubMed ID: 31983221). This variant is reported in 0.0066% of alleles in individuals of South Asian descent in gnomAD. At this time, the clinical significance of this variant is uncertain due to the absence of conclusive functional and genetic evidence.

CHEO Genetics Diagnostic Laboratory, Children's Hospital of Eastern Ontario
Classification: Likely benign for Cardiomyopathy. Last evaluated: 2022-07-15. Review status: criteria provided, single submitter. Criteria: ACMG Guidelines, 2015. Collection method: clinical testing. Allele origin: germline.

Fulgent Genetics
Classification: Uncertain significance for Tibial muscular dystrophy; Myopathy, myofibrillar, 9, with early respiratory failure; Dilated cardiomyopathy 1G; Autosomal recessive limb-girdle muscular dystrophy type 2J; Early-onset myopathy with fatal cardiomyopathy; Hypertrophic cardiomyopathy 9. Last evaluated: 2021-10-29. Review status: criteria provided, single submitter. Criteria: ACMG Guidelines, 2015. Collection method: clinical testing. Allele origin: unknown.

Ambry Genetics
Classification: Uncertain significance for Cardiovascular phenotype. Last evaluated: 2016-09-10. Review status: criteria provided, single submitter. Criteria: Ambry Variant Classification Scheme 2023. Collection method: clinical testing. Allele origin: germline.
Comment: The p.R12420Q variant (also known as c.37259G>A), located in coding exon 136 of the TTN gene, results from a G to A substitution at nucleotide position 37259. The arginine at codon 12420 is replaced by glutamine, an amino acid with highly similar properties, and is located in the A-band region of the N2-B isoform of the titin protein. This variant was previously reported in the SNPDatabase as rs746903647. Based on data from ExAC, the A allele has an overall frequency less than 0.01% (1/104750). This amino acid position is well conserved in available vertebrate species. In addition, this alteration is predicted to be tolerated by in silico analysis. Since supporting evidence is limited at this time, the clinical significance of this alteration remains unclear.

GeneDx
Classification: Uncertain significance. Last evaluated: 2014-11-07. Review status: criteria provided, single submitter. Criteria: GeneDx Variant Classification (06012015). Collection method: clinical testing. Allele origin: germline. Affected: yes.
Comment: Missense variants in the TTN gene are considered 'unclassified' if they are not previously reported in the literature and do not have >1% frequency in the population to be considered a polymorphism. Research indicates that truncating mutations in the TTN gene are expected to account for approximately 25% of familial and 18% of sporadic idiopathic DCM; however, truncating variants in the TTN gene have been reported in approximately 3% of reported control alleles. There has been little investigation into non-truncating variants. (Herman D et al. Truncations of titin causing dilated cardiomyopathy. N Eng J Med 366:619-628, 2012) The variant is found in CARDIOMYOPATHY panel(s).

NM_001267550.2(TTN):c.64454G>A (p.Arg21485Gln)

Genes: TTN (titin; minus strand), TTN-AS1 (TTN antisense RNA 1; plus strand). Cytogenetic location: 2q31.2.
Variant type: single nucleotide variant.
Coding change: c.64454G>A on transcript NM_001267550.2 (MANE Select); coding-DNA position 64454, G replaced by A.
Protein change: p.Arg21485Gln; replaces arginine 21485 with glutamine.
Molecular consequence: missense variant.
Genome position (GRCh38, 1-based): chr2:178,585,290, C>T on the plus strand (G>A on the coding strand, the complement: TTN is on the minus strand). VCF-style: chr2-178585290-C-T. GRCh37 (hg19) VCF-style: chr2-179450017-C-T.
Other names: p.R19844Q:CGA>CAA; c.59531G>A, p.Arg19844Gln (NM_001256850.1); c.37259G>A, p.Arg12420Gln (NM_003319.4); c.56750G>A, p.Arg18917Gln (NM_133378.4); c.37634G>A, p.Arg12545Gln (NM_133432.3); c.37835G>A, p.Arg12612Gln (NM_133437.4); short protein forms R19844Q, R21485Q, R12420Q, R12545Q, R18917Q, R12612Q.
Identifiers: ClinVar variation 202784 (VCV000202784.9), dbSNP rs746903647, ClinGen allele CA310278.
Genomic context (GRCh38, chr2:178,585,290, plus strand): 5'-TCTTCTCCTTTTTTCCATTTACAGGTGGGATGAGGCTTTCCATACACATGGGCTTCAATT[C>T]GGAGTTTTTTCCCAGCTTTGATAGTTATTTGCTCTGGCATAAGGATCTTTGGTGGCACTG-3'
Protein context (NP_001254479.2, residues 21475-21495): QITIKAGKKL[Arg21485Gln]IEAHVYGKPH